The following is an entry in ClinVar:

NM_018706.7(DHTKD1):c.523G>C (p.Glu175Gln)

Gene: DHTKD1 (dehydrogenase E1 and transketolase domain containing 1; plus strand). Cytogenetic location: 10p14.
Variant type: single nucleotide variant.
Coding change: c.523G>C on transcript NM_018706.7 (MANE Select); coding-DNA position 523, G replaced by C.
Protein change: p.Glu175Gln; replaces glutamic acid 175 with glutamine.
Molecular consequence: missense variant.
Genome position (GRCh38, 1-based): chr10:12,087,535, G>C. VCF-style: chr10-12087535-G-C. GRCh37 (hg19) VCF-style: chr10-12129534-G-C.
Other names: short protein forms E175Q.
Identifiers: ClinVar variation 1948781 (VCV001948781.5), dbSNP rs1333426380, ClinGen allele CA376017483.

ClinVar aggregate classification (germline): Uncertain significance (1 of 4 stars; one submission).

Conditions:
2-aminoadipic 2-oxoadipic aciduria (AAKAD). Also called: ALPHA-AMINOADIPIC AND ALPHA-KETOADIPIC ACIDURIA; Aminoadipic aciduria. Identifiers: Orphanet 79154, MedGen C1859817, MONDO:0008774, OMIM 204750.

Allele frequency attached by ClinVar (database versions not stated): gnomAD 0.00001; TOPMed 0.00001.
gnomAD v4.1: 1 of 1,591,396 alleles (0.000063%); highest among the groups gnomAD compares: Non-Finnish European, 0.000086%; no homozygotes.

Submission:

Labcorp Genetics (formerly Invitae), Labcorp
Classification: Uncertain significance for 2-aminoadipic 2-oxoadipic aciduria. Last evaluated: 2025-11-23. Review status: criteria provided, single submitter. Criteria: Invitae Variant Classification Sherloc (09022015). Collection method: clinical testing. Allele origin: germline.
Comment: This sequence change replaces glutamic acid, which is acidic and polar, with glutamine, which is neutral and polar, at codon 175 of the DHTKD1 protein (p.Glu175Gln). This variant is not present in population databases (gnomAD no frequency). This variant has not been reported in the literature in individuals affected with DHTKD1-related conditions. ClinVar contains an entry for this variant (Variation ID: 1948781). An algorithm developed to predict the effect of missense changes on protein structure and function (PolyPhen-2) suggests that this variant is likely to be disruptive. Algorithms developed to predict the effect of sequence changes on RNA splicing suggest that this variant may disrupt the consensus splice site. In summary, the available evidence is currently insufficient to determine the role of this variant in disease. Therefore, it has been classified as a Variant of Uncertain Significance.